The following is an entry in ClinVar:

ClinVar aggregate classification (germline): Uncertain significance (1 of 4 stars; one submission).

Conditions:
Rubinstein-Taybi syndrome due to EP300 haploinsufficiency. Also called: EP300-Related Rubinstein-Taybi Syndrome; RUBINSTEIN-TAYBI SYNDROME 2. Identifiers: Orphanet 353284, Orphanet 783, MedGen C3150941, MONDO:0013364, OMIM 613684.

Submission:

Labcorp Genetics (formerly Invitae), Labcorp
Classification: Uncertain significance for Rubinstein-Taybi syndrome due to EP300 haploinsufficiency. Last evaluated: 2025-02-26. Review status: criteria provided, single submitter. Criteria: Invitae Variant Classification Sherloc (09022015). Collection method: clinical testing. Allele origin: germline.
Comment: This sequence change affects codon 1271 of the EP300 mRNA. It is a 'silent' change, meaning that it does not change the encoded amino acid sequence of the EP300 protein. This variant is not present in population databases (gnomAD no frequency). This variant has not been reported in the literature in individuals affected with EP300-related conditions. Algorithms developed to predict the effect of sequence changes on RNA splicing suggest that this variant may disrupt the consensus splice site. In summary, the available evidence is currently insufficient to determine the role of this variant in disease. Therefore, it has been classified as a Variant of Uncertain Significance.

NM_001429.4(EP300):c.3813C>G (p.Val1271=)

Gene: EP300 (EP300 lysine acetyltransferase; plus strand). Cytogenetic location: 22q13.2.
Variant type: single nucleotide variant.
Coding change: c.3813C>G on transcript NM_001429.4 (MANE Select); coding-DNA position 3813, C replaced by G.
Protein change: p.Val1271=; no amino-acid change (valine 1271 retained).
Molecular consequence: synonymous variant.
Genome position (GRCh38, 1-based): chr22:41,166,605, C>G. VCF-style: chr22-41166605-C-G. GRCh37 (hg19) VCF-style: chr22-41562609-C-G.
Other names: c.3735C>G, p.Val1245= (NM_001362843.2).
Identifiers: ClinVar variation 4711861 (VCV004711861.1).
Genomic context (GRCh38, chr22:41,166,605, plus strand): 5'-ATAAATTCAACGGTTTATCTAAGTTGTGTAAGCAAAGTTTTGGTTTACATTTAGATTCGT[C>G]TGTGATGGCTGTTTAAAGAAAAGTGCACGAACTAGGAAAGAAAATAAGTTTTCTGCTAAA-3'
Protein context (NP_001420.2, residues 1261-1281): HHEIIWPAGF[Val1271=]CDGCLKKSAR